The following is an entry in ClinVar:

NM_001308120.2(TOGARAM1):c.1829C>T (p.Thr610Met)

Gene: TOGARAM1 (TOG array regulator of axonemal microtubules 1; plus strand). Cytogenetic location: 14q21.2.
Variant type: single nucleotide variant.
Coding change: c.1829C>T on transcript NM_001308120.2 (MANE Select); coding-DNA position 1829, C replaced by T.
Protein change: p.Thr610Met; replaces threonine 610 with methionine.
Molecular consequence: missense variant. On other transcripts: non-coding transcript variant (1).
Genome position (GRCh38, 1-based): chr14:44,964,250, C>T. VCF-style: chr14-44964250-C-T. GRCh37 (hg19) VCF-style: chr14-45433453-C-T.
Other names: c.1829C>T, p.Thr610Met (NM_015091.4); c.1829C>T (NM_015091.3); short protein forms T610M.
Identifiers: ClinVar variation 3180965 (VCV003180965.2), dbSNP rs766523116, ClinGen allele CA7167129.

ClinVar aggregate classification (germline): Uncertain significance. Review status: criteria provided, multiple submitters, no conflicts (2 of 4 stars). 2 submissions from 2 submitters: Uncertain significance (2). Last evaluated 2024-03-13.

Allele frequency attached by ClinVar (database versions not stated): ExAC 0.00002; gnomAD 0.00002.
gnomAD v4.1: 10 of 1,614,000 alleles (0.00062%); highest among the groups gnomAD compares: East Asian, 0.011%; no homozygotes.

Submissions (2):

GeneDx
Classification: Uncertain significance. Last evaluated: 2024-03-13. Review status: criteria provided, single submitter. Criteria: GeneDx Variant Classification Process June 2021. Collection method: clinical testing. Allele origin: germline. Affected: yes.
Comment: In silico analysis supports that this missense variant does not alter protein structure/function; Has not been previously published as pathogenic or benign to our knowledge

Ambry Genetics
Classification: Uncertain significance. Last evaluated: 2024-03-04. Review status: criteria provided, single submitter. Criteria: Ambry Variant Classification Scheme 2023. Collection method: clinical testing. Allele origin: germline.